The following is an entry in ClinVar:

NM_004260.4(RECQL4):c.624_631del (p.Cys208_Asp211delinsTer)

Gene: RECQL4 (RecQ like helicase 4; minus strand). Cytogenetic location: 8q24.3.
Variant type: Deletion.
Coding change: c.624_631del on transcript NM_004260.4 (MANE Select); coding-DNA positions 624 to 631, 8 bases deleted (CAGGCCTG; older notation c.624_631delCAGGCCTG).
Protein change: p.Cys208_Asp211delinsTer.
Molecular consequence: nonsense. On other transcripts: 5 prime UTR variant (15), non-coding transcript variant (3), intron variant (3).
Genome position (GRCh38, 1-based): chr8:144,516,488-144,516,495, CAGGCCTG deleted on the plus strand (CAGGCCTG on the coding strand, the reverse complement: RECQL4 is on the minus strand); deleting any 8 consecutive bases within chr8:144,516,488-144,516,500 gives the same sequence; the c. name uses the placement nearest the transcript's 3' end. VCF-style (leftmost placement, unchanged base first): chr8-144516487-TCAGGCCTG-T. GRCh37 (hg19) VCF-style: chr8-145741871-TCAGGCCTG-T.
Other names: c.624_631del, p.Cys208_Asp211delinsTer (NM_001413017.1, NM_001413018.1, NM_001413019.1 and 4 more transcripts); c.-448_-441del (NM_001413022.1, NM_001413023.1, NM_001413024.1 and 5 more transcripts); c.495_502del, p.Cys165_Asp168delinsTer (NM_001413025.1); c.-510_-503del (NM_001413027.1, NM_001413030.1, NM_001413031.1 and 2 more transcripts); c.-352_-345del (NM_001413034.1); c.-717_-710del (NM_001413043.1); c.355-82_355-75del (NM_001413029.1); c.-366-82_-366-75del (NM_001413021.1, NM_001413028.1).
Identifiers: ClinVar variation 4749163 (VCV004749163.1).

ClinVar aggregate classification (germline): Pathogenic (1 of 4 stars; one submission).

Conditions:
Baller-Gerold syndrome (BGS). Also called: CRANIOSYNOSTOSIS WITH RADIAL DEFECTS. Identifiers: Orphanet 1225, MedGen C0265308, MONDO:0009039, OMIM 218600.

Submission:

Labcorp Genetics (formerly Invitae), Labcorp
Classification: Pathogenic for Baller-Gerold syndrome. Last evaluated: 2026-01-14. Review status: criteria provided, single submitter. Criteria: Invitae Variant Classification Sherloc (09022015). Collection method: clinical testing. Allele origin: germline.
Comment: This sequence change creates a premature translational stop signal (p.Cys208*) in the RECQL4 gene. It is expected to result in an absent or disrupted protein product. Loss-of-function variants in RECQL4 are known to be pathogenic (PMID: 12734318, 12952869). This variant is not present in population databases (gnomAD no frequency). This variant has not been reported in the literature in individuals affected with RECQL4-related conditions. For these reasons, this variant has been classified as Pathogenic.

Literature cited by the submitters: PubMed 12734318; PubMed 12952869.